The following is an entry in ClinVar:

ClinVar aggregate classification (germline): Uncertain significance. Review status: criteria provided, multiple submitters, no conflicts (2 of 4 stars). 2 submissions from 2 submitters: Uncertain significance (2). Last evaluated 2024-11-13.

Conditions:
Hereditary cancer-predisposing syndrome. Also called: Hereditary neoplastic syndrome; Tumor predisposition; Neoplastic Syndromes, Hereditary; Hereditary Cancer Syndrome. Identifiers: Orphanet 140162, MedGen C0027672, MeSH D009386, MONDO:0015356.
Juvenile polyposis syndrome (JPS). Identifiers: Orphanet 2929, MedGen C0345893, MONDO:0017380, OMIM 174900.

Submissions (2):

Color Diagnostics, LLC DBA Color Health
Classification: Uncertain significance for Hereditary cancer-predisposing syndrome. Last evaluated: 2024-11-13. Review status: criteria provided, single submitter. Criteria: ACMG Guidelines, 2015. Collection method: clinical testing. Allele origin: germline.
Comment: This missense variant replaces asparagine with aspartic acid at codon 13 of the SMAD4 protein. Computational prediction is inconclusive regarding the impact of this variant on protein structure and function. To our knowledge, functional studies have not been reported for this variant. This variant has not been reported in individuals affected with SMAD4-related disorders in the literature. This variant has not been identified in the general population by the Genome Aggregation Database (gnomAD). The available evidence is insufficient to determine the role of this variant in disease conclusively. Therefore, this variant is classified as a Variant of Uncertain Significance.

Labcorp Genetics (formerly Invitae), Labcorp
Classification: Uncertain significance for Juvenile polyposis syndrome. Last evaluated: 2024-04-29. Review status: criteria provided, single submitter. Criteria: Invitae Variant Classification Sherloc (09022015). Collection method: clinical testing. Allele origin: germline.
Comment: This sequence change replaces asparagine, which is neutral and polar, with aspartic acid, which is acidic and polar, at codon 13 of the SMAD4 protein (p.Asn13Asp). This variant is not present in population databases (gnomAD no frequency). This variant has not been reported in the literature in individuals affected with SMAD4-related conditions. ClinVar contains an entry for this variant (Variation ID: 962781). Advanced modeling of protein sequence and biophysical properties (such as structural, functional, and spatial information, amino acid conservation, physicochemical variation, residue mobility, and thermodynamic stability) has been performed at Invitae for this missense variant, however the output from this modeling did not meet the statistical confidence thresholds required to predict the impact of this variant on SMAD4 protein function. In summary, the available evidence is currently insufficient to determine the role of this variant in disease. Therefore, it has been classified as a Variant of Uncertain Significance.

NM_005359.6(SMAD4):c.37A>G (p.Asn13Asp)

Gene: SMAD4 (SMAD family member 4; plus strand). Cytogenetic location: 18q21.2.
Variant type: single nucleotide variant.
Coding change: c.37A>G on transcript NM_005359.6 (MANE Select); coding-DNA position 37, A replaced by G.
Protein change: p.Asn13Asp; replaces asparagine 13 with aspartic acid.
Molecular consequence: missense variant.
Genome position (GRCh38, 1-based): chr18:51,047,083, A>G. VCF-style: chr18-51047083-A-G. GRCh37 (hg19) VCF-style: chr18-48573453-A-G.
Other names: short protein forms N13D.
Identifiers: ClinVar variation 962781 (VCV000962781.11), dbSNP rs1909566487, ClinGen allele CA402457317.
Genomic context (GRCh38, chr18:51,047,083, plus strand): 5'-ATTTAAAAGGAAAAACTTGAACAAATGGACAATATGTCTATTACGAATACACCAACAAGT[A>G]ATGATGCCTGTCTGAGCATTGTGCATAGTTTGATGTGCCATAGACAAGGTGGAGAGAGTG-3'
Protein context (NP_005350.1, residues 3-23): NMSITNTPTS[Asn13Asp]DACLSIVHSL